The following is an entry in ClinVar:

NM_032119.4(ADGRV1):c.1238+74A>T

Gene: ADGRV1 (adhesion G protein-coupled receptor V1; plus strand). Cytogenetic location: 5q14.3.
Variant type: single nucleotide variant.
Coding change: c.1238+74A>T on transcript NM_032119.4 (MANE Select); 74 bases into the intron after coding-DNA position 1238, A replaced by T.
Molecular consequence: intron variant.
Genome position (GRCh38, 1-based): chr5:90,627,850, A>T. VCF-style: chr5-90627850-A-T. GRCh37 (hg19) VCF-style: chr5-89923667-A-T.
Identifiers: ClinVar variation 678786 (VCV000678786.1), dbSNP rs45478296, ClinGen allele CA121825722.
Genomic context (GRCh38, chr5:90,627,850, plus strand): 5'-TAAATATATTGCTACCATTATTTTATTATATTATTCCAGATTTAAGTTTTGTGGTGTTGG[A>T]CACAACAATGAACTGTTAGAATATGTGTCATTTTTTCCCACAAAGTTTCATGACAAACTC-3'

ClinVar aggregate classification (germline): Benign (1 of 4 stars; one submission).

Allele frequency attached by ClinVar (database versions not stated): gnomAD exomes 0.16881; gnomAD 0.17634 and 0.18039; TOPMed 0.17881; 1000 Genomes Project 30x 0.23438; 1000 Genomes Project 0.23902.
gnomAD v4.1: 163,071 of 952,840 alleles (17%); highest among the groups gnomAD compares: East Asian, 38%; 15,325 homozygotes.

Submission:

GeneDx
Classification: Benign. Last evaluated: 2018-06-16. Review status: criteria provided, single submitter. Criteria: GeneDx Variant Classification (06012015). Collection method: clinical testing. Allele origin: germline. Affected: yes.
Comment: This variant is considered likely benign or benign based on one or more of the following criteria: it is a conservative change, it occurs at a poorly conserved position in the protein, it is predicted to be benign by multiple in silico algorithms, and/or has population frequency not consistent with disease.